The following is an entry in ClinVar:

NM_003803.4(MYOM1):c.2429G>C (p.Arg810Pro)

Gene: MYOM1 (myomesin 1; minus strand). Cytogenetic location: 18p11.31.
Variant type: single nucleotide variant.
Coding change: c.2429G>C on transcript NM_003803.4 (MANE Select); coding-DNA position 2429, G replaced by C.
Protein change: p.Arg810Pro; replaces arginine 810 with proline.
Molecular consequence: missense variant.
Genome position (GRCh38, 1-based): chr18:3,131,452, C>G on the plus strand (G>C on the coding strand, the complement: MYOM1 is on the minus strand). VCF-style: chr18-3131452-C-G. GRCh37 (hg19) VCF-style: chr18-3131450-C-G.
Other names: c.2429G>C, p.Arg810Pro (NM_019856.2); short protein forms R810P.
Identifiers: ClinVar variation 2041663 (VCV002041663.4), dbSNP rs368529890, ClinGen allele CA295516886.

ClinVar aggregate classification (germline): Uncertain significance (1 of 4 stars; one submission).

Conditions:
Hypertrophic cardiomyopathy. Also called: HYPERTROPHIC MYOCARDIOPATHY. Identifiers: Orphanet 217569, MedGen C0007194, MeSH D002312, MONDO:0005045, HP:0001639.

Allele frequency attached by ClinVar (database versions not stated): ESP Exome Variant Server 0.00008.
gnomAD v4.1: 6 of 1,613,592 alleles (0.00037%); highest among the groups gnomAD compares: Non-Finnish European, 0.00051%; no homozygotes.

Submission:

Labcorp Genetics (formerly Invitae), Labcorp
Classification: Uncertain significance for Hypertrophic cardiomyopathy. Last evaluated: 2023-11-20. Review status: criteria provided, single submitter. Criteria: Invitae Variant Classification Sherloc (09022015). Collection method: clinical testing. Allele origin: germline.
Comment: This sequence change replaces arginine, which is basic and polar, with proline, which is neutral and non-polar, at codon 810 of the MYOM1 protein (p.Arg810Pro). This variant is not present in population databases (gnomAD no frequency). This variant has not been reported in the literature in individuals affected with MYOM1-related conditions. ClinVar contains an entry for this variant (Variation ID: 2041663). Advanced modeling of protein sequence and biophysical properties (such as structural, functional, and spatial information, amino acid conservation, physicochemical variation, residue mobility, and thermodynamic stability) has been performed at Invitae for this missense variant, however the output from this modeling did not meet the statistical confidence thresholds required to predict the impact of this variant on MYOM1 protein function. In summary, the available evidence is currently insufficient to determine the role of this variant in disease. Therefore, it has been classified as a Variant of Uncertain Significance.